The following is an entry in ClinVar:

NM_004364.5(CEBPA):c.224A>G (p.Asp75Gly)

Gene: CEBPA (CCAAT enhancer binding protein alpha; minus strand). Cytogenetic location: 19q13.11.
Variant type: single nucleotide variant.
Coding change: c.224A>G on transcript NM_004364.5 (MANE Select); coding-DNA position 224, A replaced by G.
Protein change: p.Asp75Gly; replaces aspartic acid 75 with glycine.
Molecular consequence: missense variant. On other transcripts: 5 prime UTR variant (1).
Genome position (GRCh38, 1-based): chr19:33,302,191, T>C on the plus strand (A>G on the coding strand, the complement: CEBPA is on the minus strand). VCF-style: chr19-33302191-T-C. GRCh37 (hg19) VCF-style: chr19-33793097-T-C.
Other names: c.-134A>G (NM_001285829.2); c.329A>G, p.Asp110Gly (NM_001287424.2); c.182A>G, p.Asp61Gly (NM_001287435.2); short protein forms D110G, D61G, D75G.
Identifiers: ClinVar variation 3719612 (VCV003719612.2).

ClinVar aggregate classification (germline): Uncertain significance (1 of 4 stars; one submission).

Conditions:
Acute myeloid leukemia (AML). Also called: Acute myeloid leukemia, adult; AML adult; Acute non-lymphocytic leukemia; Acute granulocytic leukemia; Leukemia, acute myeloid, somatic; Leukemia, acute myelogenous, somatic. Identifiers: Orphanet 519, MedGen C0023467, MeSH D015470, MONDO:0018874, OMIM 601626, HP:0004808. Disease mechanism: Constitutively activated FLT3.

Submission:

Labcorp Genetics (formerly Invitae), Labcorp
Classification: Uncertain significance for Acute myeloid leukemia. Last evaluated: 2024-12-26. Review status: criteria provided, single submitter. Criteria: Invitae Variant Classification Sherloc (09022015). Collection method: clinical testing. Allele origin: germline.
Comment: This sequence change replaces aspartic acid, which is acidic and polar, with glycine, which is neutral and non-polar, at codon 75 of the CEBPA protein (p.Asp75Gly). This variant is not present in population databases (gnomAD no frequency). This variant has not been reported in the literature in individuals affected with CEBPA-related conditions. Invitae Evidence Modeling of protein sequence and biophysical properties (such as structural, functional, and spatial information, amino acid conservation, physicochemical variation, residue mobility, and thermodynamic stability) indicates that this missense variant is expected to disrupt CEBPA protein function with a positive predictive value of 80%. In summary, the available evidence is currently insufficient to determine the role of this variant in disease. Therefore, it has been classified as a Variant of Uncertain Significance.